The following is an entry in ClinVar:

ClinVar aggregate classification (germline): Uncertain significance. Review status: criteria provided, multiple submitters, no conflicts (2 of 4 stars). 2 submissions from 2 submitters: Uncertain significance (2). Last evaluated 2025-11-27.

Conditions:
Fibrous dysplasia of jaw (CRBM). Also called: Cherubism. Identifiers: Orphanet 184, MedGen C0008029, MONDO:0007315, OMIM 118400.

Submissions (2):

Labcorp Genetics (formerly Invitae), Labcorp
Classification: Uncertain significance for Fibrous dysplasia of jaw. Last evaluated: 2025-11-27. Review status: criteria provided, single submitter. Criteria: Invitae Variant Classification Sherloc (09022015). Collection method: clinical testing. Allele origin: germline.
Comment: This sequence change replaces proline, which is neutral and non-polar, with arginine, which is basic and polar, at codon 350 of the SH3BP2 protein (p.Pro350Arg). This variant is not present in population databases (gnomAD no frequency). This variant has not been reported in the literature in individuals affected with SH3BP2-related conditions. ClinVar contains an entry for this variant (Variation ID: 1357762). Invitae Evidence Modeling of protein sequence and biophysical properties (such as structural, functional, and spatial information, amino acid conservation, physicochemical variation, residue mobility, and thermodynamic stability) indicates that this missense variant is not expected to disrupt SH3BP2 protein function with a negative predictive value of 80%. In summary, the available evidence is currently insufficient to determine the role of this variant in disease. Therefore, it has been classified as a Variant of Uncertain Significance.

Mayo Clinic Laboratories, Mayo Clinic
Classification: Uncertain significance. Last evaluated: 2024-05-14. Review status: criteria provided, single submitter. Criteria: ACMG Guidelines, 2015. Collection method: clinical testing. Allele origin: germline. Observed: 1 variant allele.
Comment: PM2

NM_001122681.2(SH3BP2):c.1049C>G (p.Pro350Arg)

Gene: SH3BP2 (SH3 domain binding protein 2; plus strand). Cytogenetic location: 4p16.3.
Variant type: single nucleotide variant.
Coding change: c.1049C>G on transcript NM_001122681.2 (MANE Select); coding-DNA position 1049, C replaced by G.
Protein change: p.Pro350Arg; replaces proline 350 with arginine.
Molecular consequence: missense variant.
Genome position (GRCh38, 1-based): chr4:2,829,955, C>G. VCF-style: chr4-2829955-C-G. GRCh37 (hg19) VCF-style: chr4-2831682-C-G.
Other names: p.Pro350Arg; c.1133C>G, p.Pro378Arg (NM_001145855.2); c.1220C>G, p.Pro407Arg (NM_001145856.2); c.1049C>G, p.Pro350Arg (NM_003023.4); short protein forms P350R, P378R, P407R.
Identifiers: ClinVar variation 1357762 (VCV001357762.9), dbSNP rs762177276, ClinGen allele CA91411489.